The following is an entry in ClinVar:

NM_001378454.1(ALMS1):c.820A>T (p.Ser274Cys)

Gene: ALMS1 (ALMS1 centrosome and basal body associated protein; plus strand). Cytogenetic location: 2p13.1.
Variant type: single nucleotide variant.
Coding change: c.820A>T on transcript NM_001378454.1 (MANE Select); coding-DNA position 820, A replaced by T.
Protein change: p.Ser274Cys; replaces serine 274 with cysteine.
Molecular consequence: missense variant.
Genome position (GRCh38, 1-based): chr2:73,424,485, A>T. VCF-style: chr2-73424485-A-T. GRCh37 (hg19) VCF-style: chr2-73651613-A-T.
Other names: c.823A>T, p.Ser275Cys (NM_015120.4); short protein forms S274C, S275C.
Identifiers: ClinVar variation 1960478 (VCV001960478.5), dbSNP rs761800808, ClinGen allele CA347260526.

ClinVar aggregate classification (germline): Uncertain significance (1 of 4 stars; one submission).

Conditions:
Alstrom syndrome (ALMS). Identifiers: Orphanet 64, MedGen C0268425, MONDO:0008763, OMIM 203800.

gnomAD v4.1: 1 of 1,604,120 alleles (0.000062%); highest among the groups gnomAD compares: African/African-American, 0.0013%; no homozygotes.

Submission:

Labcorp Genetics (formerly Invitae), Labcorp
Classification: Uncertain significance for Alstrom syndrome. Last evaluated: 2022-06-01. Review status: criteria provided, single submitter. Criteria: Invitae Variant Classification Sherloc (09022015). Collection method: clinical testing. Allele origin: germline.
Comment: This variant has not been reported in the literature in individuals affected with ALMS1-related conditions. In summary, the available evidence is currently insufficient to determine the role of this variant in disease. Therefore, it has been classified as a Variant of Uncertain Significance. Experimental studies and prediction algorithms are not available or were not evaluated, and the functional significance of this variant is currently unknown. This variant is not present in population databases (gnomAD no frequency). This sequence change replaces serine, which is neutral and polar, with cysteine, which is neutral and slightly polar, at codon 275 of the ALMS1 protein (p.Ser275Cys).